The following is an entry in ClinVar:

ClinVar aggregate classification (germline): Pathogenic. Review status: criteria provided, multiple submitters, no conflicts (2 of 4 stars). 3 submissions from 3 submitters: Pathogenic (2). 1 of the submissions does not count toward it. Last evaluated 2025-01-16.

Conditions:
Retinal dystrophy. Also called: Inherited retinal dystrophy. Identifiers: Orphanet 71862, MedGen C0854723, MeSH D058499, MONDO:0019118, HP:0000556.
Retinitis pigmentosa (RP). Identifiers: Orphanet 791, MedGen C0035334, MeSH D012174, MONDO:0019200, OMIM 268000. Inheritance: Autosomal dominant, autosomal recessive and X linked inheritance.

Submissions (3):

Labcorp Genetics (formerly Invitae), Labcorp
Classification: Pathogenic. Last evaluated: 2025-01-16. Review status: criteria provided, single submitter. Criteria: Invitae Variant Classification Sherloc (09022015). Collection method: clinical testing. Allele origin: germline.
Comment: This sequence change creates a premature translational stop signal (p.Cys952Valfs*16) in the EYS gene. It is expected to result in an absent or disrupted protein product. Loss-of-function variants in EYS are known to be pathogenic (PMID: 18836446, 20333770). The frequency data for this variant in the population databases is considered unreliable, as metrics indicate poor data quality at this position in the gnomAD database. This premature translational stop signal has been observed in individual(s) with autosomal recessive retinitis pigmentosa (PMID: 37734845). ClinVar contains an entry for this variant (Variation ID: 1300173). For these reasons, this variant has been classified as Pathogenic.

Institute of Medical Genetics and Applied Genomics, University Hospital Tübingen
Classification: Pathogenic for Retinitis pigmentosa. Last evaluated: 2021-10-20. Review status: criteria provided, single submitter. Criteria: ACMG Guidelines, 2015. Collection method: clinical testing. Allele origin: germline. Inheritance: Autosomal recessive inheritance. Affected: yes.
Comment: additional variant: c.9053T>G, p.Leu3018Trp, classified as VUS

Institute of Human Genetics, Univ. Regensburg, Univ. Regensburg
Classification: Pathogenic for Retinal dystrophy. Last evaluated: 2015-01-01. Review status: no assertion criteria provided. Criteria: ACMG Guidelines, 2015. Collection method: clinical testing. Allele origin: germline. Affected: yes. Not counted in ClinVar's aggregate classification.

Literature cited by the submitters: PubMed 18836446 (cited by Labcorp Genetics (formerly Invitae), Labcorp); PubMed 20333770 (cited by Labcorp Genetics (formerly Invitae), Labcorp); PubMed 37734845 (cited by Labcorp Genetics (formerly Invitae), Labcorp).

NM_001142800.2(EYS):c.2854del (p.Cys952fs)

Gene: EYS (EGF-like photoreceptor maintenance factor; minus strand). Cytogenetic location: 6q12.
Variant type: Deletion.
Coding change: c.2854del on transcript NM_001142800.2 (MANE Select); coding-DNA position 2854, one base deleted (T; older notation c.2854delT).
Protein change: p.Cys952fs; shifts the reading frame from cysteine 952.
Molecular consequence: frameshift variant.
Genome position (GRCh38, 1-based): chr6:64,886,835, A deleted on the plus strand (T on the coding strand, the reverse complement: EYS is on the minus strand); the first of 7 consecutive A bases (chr6:64,886,835-64,886,841); deleting any one gives the same sequence. VCF-style (leftmost placement, unchanged base first): chr6-64886834-CA-C. GRCh37 (hg19) VCF-style: chr6-65596727-CA-C.
Other names: c.2854del, p.Cys952fs (NM_001292009.2); short protein forms C952fs.
Identifiers: ClinVar variation 1300173 (VCV001300173.4), dbSNP rs779877426, ClinGen allele CA3877241.